The following is an entry in ClinVar:

NM_000023.4(SGCA):c.349C>T (p.Arg117Trp)

Gene: SGCA (sarcoglycan alpha; plus strand). Cytogenetic location: 17q21.33.
Variant type: single nucleotide variant.
Coding change: c.349C>T on transcript NM_000023.4 (MANE Select); coding-DNA position 349, C replaced by T.
Protein change: p.Arg117Trp; replaces arginine 117 with tryptophan.
Molecular consequence: missense variant. On other transcripts: non-coding transcript variant (1).
Genome position (GRCh38, 1-based): chr17:50,167,983, C>T. VCF-style: chr17-50167983-C-T. GRCh37 (hg19) VCF-style: chr17-48245344-C-T.
Other names: c.349C>T, p.Arg117Trp (NM_001135697.3); short protein forms R117W.
Identifiers: ClinVar variation 448352 (VCV000448352.46), dbSNP rs200075504, ClinGen allele CA8643775.

ClinVar aggregate classification (germline): Uncertain significance. Review status: criteria provided, multiple submitters, no conflicts (2 of 4 stars). 6 submissions from 6 submitters: Uncertain significance (5). 1 of the submissions does not count toward it. Last evaluated 2025-08-12.

Conditions:
Autosomal recessive limb-girdle muscular dystrophy type 2D (LGMDR3). Also called: MUSCULAR DYSTROPHY, LIMB-GIRDLE, AUTOSOMAL RECESSIVE 3; ADHALINOPATHY, PRIMARY; DUCHENNE-LIKE AUTOSOMAL RECESSIVE MUSCULAR DYSTROPHY, TYPE 2. Identifiers: Orphanet 62, MedGen C2936332, MONDO:0011968, OMIM 608099. Disease mechanism: Affects gamma-sarcoglycan and also disrupts the integrity of the entire sarcoglycan complex..

Allele frequency attached by ClinVar (database versions not stated): ExAC 0.00003; gnomAD exomes 0.00003 and 0.00005; TOPMed 0.00004; gnomAD 0.00006; ESP Exome Variant Server 0.00008; 1000 Genomes Project 30x 0.00016; 1000 Genomes Project 0.00020.
gnomAD v4.1: 55 of 1,614,190 alleles (0.0034%); highest among the groups gnomAD compares: East Asian, 0.011%; no homozygotes.

Submissions (6):

Myriad Genetics, Inc.
Classification: Uncertain significance for Autosomal recessive limb-girdle muscular dystrophy type 2D. Last evaluated: 2025-08-12. Review status: criteria provided, single submitter. Criteria: Myriad Autosomal Dominant, Autosomal Recessive and X-Linked Classification Criteria (2023). Collection method: clinical testing. Allele origin: unknown.
Comment: NM_000023.2(SGCA):c.349C>T(R117W) is a missense variant classified as a variant of uncertain significance in the context of alpha-sarcoglycanopathy. R117W has not been observed in cases with relevant disease. Relevant functional assessments of this variant are not available in the literature. R117W has been observed in referenced population frequency databases. In summary, there is insufficient evidence to classify NM_000023.2(SGCA):c.349C>T(R117W) as pathogenic or benign. Please note: this variant was assessed in the context of healthy population screening.

Genome-Nilou Lab
Classification: Uncertain significance for Autosomal recessive limb-girdle muscular dystrophy type 2D. Last evaluated: 2023-02-08. Review status: criteria provided, single submitter. Criteria: ACMG Guidelines, 2015. Collection method: clinical testing. Allele origin: germline.

Labcorp Genetics (formerly Invitae), Labcorp
Classification: Uncertain significance for Autosomal recessive limb-girdle muscular dystrophy type 2D. Last evaluated: 2022-08-16. Review status: criteria provided, single submitter. Criteria: Invitae Variant Classification Sherloc (09022015). Collection method: clinical testing. Allele origin: germline.
Comment: This sequence change replaces arginine, which is basic and polar, with tryptophan, which is neutral and slightly polar, at codon 117 of the SGCA protein (p.Arg117Trp). This variant is present in population databases (rs200075504, gnomAD 0.009%). This variant has not been reported in the literature in individuals affected with SGCA-related conditions. ClinVar contains an entry for this variant (Variation ID: 448352). Advanced modeling of protein sequence and biophysical properties (such as structural, functional, and spatial information, amino acid conservation, physicochemical variation, residue mobility, and thermodynamic stability) performed at Invitae indicates that this missense variant is not expected to disrupt SGCA protein function. In summary, the available evidence is currently insufficient to determine the role of this variant in disease. Therefore, it has been classified as a Variant of Uncertain Significance.

CeGaT Center for Human Genetics Tuebingen
Classification: Uncertain significance. Last evaluated: 2019-10-01. Review status: criteria provided, single submitter. Criteria: CeGaT Center For Human Genetics Tuebingen Variant Classification Criteria Version 2. Collection method: clinical testing. Allele origin: germline. Affected: yes. Observed: 1 variant allele.

Athena Diagnostics
Classification: Uncertain significance. Last evaluated: 2017-01-18. Review status: criteria provided, single submitter. Criteria: Athena Diagnostics Criteria. Collection method: clinical testing. Allele origin: germline.

Natera, Inc.
Classification: Uncertain significance for Limb-girdle muscular dystrophy type 2D. Last evaluated: 2019-11-11. Review status: no assertion criteria provided. Collection method: clinical testing. Allele origin: germline. Not counted in ClinVar's aggregate classification.